The following is an entry in ClinVar:

ClinVar aggregate classification (germline): Uncertain significance (1 of 4 stars; one submission).

gnomAD v4.1: 3 of 1,613,784 alleles (0.00019%); highest among the groups gnomAD compares: Non-Finnish European, 0.000085%; no homozygotes.

Submission:

Labcorp Genetics (formerly Invitae), Labcorp
Classification: Uncertain significance. Last evaluated: 2025-04-14. Review status: criteria provided, single submitter. Criteria: Invitae Variant Classification Sherloc (09022015). Collection method: clinical testing. Allele origin: germline.
Comment: This sequence change replaces valine, which is neutral and non-polar, with methionine, which is neutral and non-polar, at codon 504 of the REST protein (p.Val504Met). This variant is not present in population databases (gnomAD no frequency). This variant has not been reported in the literature in individuals affected with REST-related conditions. ClinVar contains an entry for this variant (Variation ID: 3603805). An algorithm developed to predict the effect of missense changes on protein structure and function outputs the following: PolyPhen-2: "Benign". The methionine amino acid residue is found in multiple mammalian species, which suggests that this missense change does not adversely affect protein function. In summary, the available evidence is currently insufficient to determine the role of this variant in disease. Therefore, it has been classified as a Variant of Uncertain Significance.

NM_005612.5(REST):c.1510G>A (p.Val504Met)

Gene: REST (RE1 silencing transcription factor; plus strand). Cytogenetic location: 4q12.
Variant type: single nucleotide variant.
Coding change: c.1510G>A on transcript NM_005612.5 (MANE Select); coding-DNA position 1510, G replaced by A.
Protein change: p.Val504Met; replaces valine 504 with methionine.
Molecular consequence: missense variant.
Genome position (GRCh38, 1-based): chr4:56,930,368, G>A. VCF-style: chr4-56930368-G-A. GRCh37 (hg19) VCF-style: chr4-57796534-G-A.
Other names: c.1510G>A, p.Val504Met (NM_001193508.2, NM_001363453.3); short protein forms V504M.
Identifiers: ClinVar variation 3603805 (VCV003603805.2).